The following is an entry in ClinVar:

ClinVar aggregate classification (germline): Uncertain significance (1 of 4 stars; one submission).

Conditions:
Bardet-Biedl syndrome (BBS). Identifiers: Orphanet 110, MedGen C0752166, MONDO:0015229.

Allele frequency attached by ClinVar (database versions not stated): gnomAD exomes below 0.00001 and 0.00001; TOPMed below 0.00001; gnomAD 0.00001; ExAC 0.00002; ESP Exome Variant Server 0.00008.
gnomAD v4.1: 9 of 1,613,056 alleles (0.00056%); highest among the groups gnomAD compares: Non-Finnish European, 0.00076%; no homozygotes.

Submission:

Labcorp Genetics (formerly Invitae), Labcorp
Classification: Uncertain significance for Bardet-Biedl syndrome. Last evaluated: 2020-10-18. Review status: criteria provided, single submitter. Criteria: Invitae Variant Classification Sherloc (09022015). Collection method: clinical testing. Allele origin: germline.
Comment: This sequence change replaces aspartic acid with tyrosine at codon 201 of the TTC8 protein (p.Asp201Tyr). The aspartic acid residue is moderately conserved and there is a large physicochemical difference between aspartic acid and tyrosine. This variant is present in population databases (rs377540438, ExAC 0.003%). This variant has not been reported in the literature in individuals with TTC8-related conditions. Algorithms developed to predict the effect of missense changes on protein structure and function are either unavailable or do not agree on the potential impact of this missense change (SIFT: "Deleterious"; PolyPhen-2: "Possibly Damaging"; Align-GVGD: "Class C0"). In summary, the available evidence is currently insufficient to determine the role of this variant in disease. Therefore, it has been classified as a Variant of Uncertain Significance.

NM_144596.4(TTC8):c.631G>T (p.Asp211Tyr)

Gene: TTC8 (tetratricopeptide repeat domain 8; plus strand). Cytogenetic location: 14q31.3.
Variant type: single nucleotide variant.
Coding change: c.631G>T on transcript NM_144596.4 (MANE Select); coding-DNA position 631, G replaced by T.
Protein change: p.Asp211Tyr; replaces aspartic acid 211 with tyrosine.
Molecular consequence: missense variant. On other transcripts: 5 prime UTR variant (1), non-coding transcript variant (1).
Genome position (GRCh38, 1-based): chr14:88,852,977, G>T. VCF-style: chr14-88852977-G-T. GRCh37 (hg19) VCF-style: chr14-89319321-G-T.
Other names: c.679G>T, p.Asp227Tyr (NM_001288781.1); c.37G>T, p.Asp13Tyr (NM_001288782.1); c.-87G>T (NM_001288783.1); c.601G>T, p.Asp201Tyr (NM_001366535.2, NM_198309.3); c.511G>T, p.Asp171Tyr (NM_001366536.2, NM_198310.3); short protein forms D13Y, D171Y, D201Y, D211Y, D227Y.
Identifiers: ClinVar variation 1061483 (VCV001061483.9), dbSNP rs377540438, ClinGen allele CA7302552.